The following is an entry in ClinVar:

ClinVar aggregate classification (germline): Uncertain significance. Review status: criteria provided, multiple submitters, no conflicts (2 of 4 stars). 2 submissions from 2 submitters: Uncertain significance (2). Last evaluated 2025-09-02.

Allele frequency attached by ClinVar (database versions not stated): TOPMed below 0.00001; ExAC 0.00001; gnomAD exomes 0.00001.
gnomAD v4.1: 13 of 1,613,708 alleles (0.00081%); highest among the groups gnomAD compares: Middle Eastern, 0.016%; no homozygotes.

Submissions (2):

Women's Health and Genetics/Laboratory Corporation of America, LabCorp
Classification: Uncertain significance. Last evaluated: 2025-09-02. Review status: criteria provided, single submitter. Criteria: LabCorp Variant Classification Summary - May 2015. Collection method: clinical testing. Allele origin: germline.
Comment: Variant summary: CACNA1D c.518C>T (p.Thr173Ile) results in a non-conservative amino acid change in the encoded protein sequence. Algorithms developed to predict the effect of missense changes on protein structure and function all suggest that this variant is likely to be disruptive. The variant allele was found at a frequency of 1.2e-05 in 251410 control chromosomes. The available data on variant occurrences in the general population are insufficient to allow any conclusion about variant significance. To our knowledge, no occurrence of c.518C>T in individuals affected with CACNA1D-related conditions and no experimental evidence demonstrating its impact on protein function have been reported. ClinVar contains an entry for this variant (Variation ID: 1437096). Based on the evidence outlined above, the variant was classified as uncertain significance.

Labcorp Genetics (formerly Invitae), Labcorp
Classification: Uncertain significance. Last evaluated: 2023-12-07. Review status: criteria provided, single submitter. Criteria: Invitae Variant Classification Sherloc (09022015). Collection method: clinical testing. Allele origin: germline.
Comment: This sequence change replaces threonine, which is neutral and polar, with isoleucine, which is neutral and non-polar, at codon 173 of the CACNA1D protein (p.Thr173Ile). This variant is present in population databases (rs771872770, gnomAD 0.006%). This variant has not been reported in the literature in individuals affected with CACNA1D-related conditions. ClinVar contains an entry for this variant (Variation ID: 1437096). Advanced modeling of protein sequence and biophysical properties (such as structural, functional, and spatial information, amino acid conservation, physicochemical variation, residue mobility, and thermodynamic stability) performed at Invitae indicates that this missense variant is not expected to disrupt CACNA1D protein function with a negative predictive value of 80%. In summary, the available evidence is currently insufficient to determine the role of this variant in disease. Therefore, it has been classified as a Variant of Uncertain Significance.

NM_001128840.3(CACNA1D):c.518C>T (p.Thr173Ile)

Gene: CACNA1D (calcium voltage-gated channel subunit alpha1 D; plus strand). Cytogenetic location: 3p21.1.
Variant type: single nucleotide variant.
Coding change: c.518C>T on transcript NM_001128840.3 (MANE Select); coding-DNA position 518, C replaced by T.
Protein change: p.Thr173Ile; replaces threonine 173 with isoleucine.
Molecular consequence: missense variant.
Genome position (GRCh38, 1-based): chr3:53,650,813, C>T. VCF-style: chr3-53650813-C-T. GRCh37 (hg19) VCF-style: chr3-53684840-C-T.
Other names: c.518C>T, p.Thr173Ile (NM_000720.4, NM_001128839.3); short protein forms T173I.
Identifiers: ClinVar variation 1437096 (VCV001437096.7), dbSNP rs771872770, ClinGen allele CA2453699.